The following is an entry in ClinVar:

ClinVar aggregate classification (germline): Uncertain significance (1 of 4 stars; one submission).

Submission:

Ambry Genetics
Classification: Uncertain significance. Last evaluated: 2022-06-20. Review status: criteria provided, single submitter. Criteria: Ambry Variant Classification Scheme 2023. Collection method: clinical testing. Allele origin: germline.
Comment: The p.L1541P variant (also known as c.4622T>C), located in coding exon 4 of the ALPK2 gene, results from a T to C substitution at nucleotide position 4622. The leucine at codon 1541 is replaced by proline, an amino acid with similar properties. This amino acid position is conserved. In addition, this alteration is predicted to be tolerated by in silico analysis. Since supporting evidence is limited at this time, the clinical significance of this alteration remains unclear.

NM_052947.4(ALPK2):c.4622T>C (p.Leu1541Pro)

Genes: ALPK2 (alpha kinase 2; minus strand), LOC126862764 (BRD4-independent group 4 enhancer GRCh37_chr18:56202574-56203773; plus strand). Cytogenetic location: 18q21.31.
Variant type: single nucleotide variant.
Coding change: c.4622T>C on transcript NM_052947.4 (MANE Select); coding-DNA position 4622, T replaced by C.
Protein change: p.Leu1541Pro; replaces leucine 1541 with proline.
Molecular consequence: missense variant.
Genome position (GRCh38, 1-based): chr18:58,535,565, A>G on the plus strand (T>C on the coding strand, the complement: ALPK2 is on the minus strand). VCF-style: chr18-58535565-A-G. GRCh37 (hg19) VCF-style: chr18-56202797-A-G.
Other names: short protein forms L1541P.
Identifiers: ClinVar variation 1741966 (VCV001741966.2), dbSNP rs2518874400, ClinGen allele CA402560914.